The following is an entry in ClinVar:

NM_000217.3(KCNA1):c.1202C>T (p.Ala401Val)

Gene: KCNA1 (potassium voltage-gated channel subfamily A member 1; plus strand). Cytogenetic location: 12p13.32.
Variant type: single nucleotide variant.
Coding change: c.1202C>T on transcript NM_000217.3 (MANE Select); coding-DNA position 1202, C replaced by T.
Protein change: p.Ala401Val; replaces alanine 401 with valine.
Molecular consequence: missense variant.
Genome position (GRCh38, 1-based): chr12:4,912,580, C>T. VCF-style: chr12-4912580-C-T. GRCh37 (hg19) VCF-style: chr12-5021746-C-T.
Other names: short protein forms A401V.
Identifiers: ClinVar variation 208748 (VCV000208748.9), dbSNP rs797044929, ClinGen allele CA204814.

ClinVar aggregate classification (germline): Conflicting classifications of pathogenicity. Review status: criteria provided, conflicting classifications (1 of 4 stars). 4 submissions from 4 submitters: Pathogenic (1); Likely pathogenic (1); Uncertain significance (2). Last evaluated 2025-07-09.

Conditions:
Inborn genetic diseases. Identifiers: MedGen C0950123, MeSH D030342.
Episodic ataxia type 1 (EA1). Also called: ATAXIA, EPISODIC, WITH MYOKYMIA; PAROXYSMAL ATAXIA WITH NEUROMYOTONIA, HEREDITARY; Episodic ataxia/myokymia syndrome; MYOKYMIA WITH PERIODIC ATAXIA. Identifiers: Orphanet 37612, Orphanet 972, MedGen C1719788, MONDO:0008047, OMIM 160120.

Submissions (4):

Labcorp Genetics (formerly Invitae), Labcorp
Classification: Uncertain significance for Episodic ataxia type 1. Last evaluated: 2025-07-09. Review status: criteria provided, single submitter. Criteria: Invitae Variant Classification Sherloc (09022015). Collection method: clinical testing. Allele origin: germline.
Comment: This sequence change replaces alanine, which is neutral and non-polar, with valine, which is neutral and non-polar, at codon 401 of the KCNA1 protein (p.Ala401Val). This variant is not present in population databases (gnomAD no frequency). This variant has not been reported in the literature in individuals affected with KCNA1-related conditions. ClinVar contains an entry for this variant (Variation ID: 208748). Invitae Evidence Modeling of protein sequence and biophysical properties (such as structural, functional, and spatial information, amino acid conservation, physicochemical variation, residue mobility, and thermodynamic stability) indicates that this missense variant is expected to disrupt KCNA1 protein function with a positive predictive value of 95%. In summary, the available evidence is currently insufficient to determine the role of this variant in disease. Therefore, it has been classified as a Variant of Uncertain Significance.

Blueprint Genetics
Classification: Uncertain significance. Last evaluated: 2024-02-16. Review status: criteria provided, single submitter. Criteria: ACMG Guidelines, 2015. Collection method: clinical testing. Allele origin: germline.

GeneDx
Classification: Likely pathogenic. Last evaluated: 2019-08-16. Review status: criteria provided, single submitter. Criteria: GeneDx Variant Classification Process June 2021. Collection method: clinical testing. Allele origin: germline. Affected: yes.
Comment: Has not been previously published as pathogenic or benign to our knowledge; Not observed in large population cohorts (Lek et al., 2016); In silico analysis, which includes protein predictors and evolutionary conservation, supports a deleterious effect

Ambry Genetics
Classification: Pathogenic for Inborn genetic diseases. Last evaluated: 2013-07-30. Review status: criteria provided, single submitter. Criteria: Ambry Autosomal Dominant and X-Linked criteria (10/2015). Collection method: clinical testing. Allele origin: germline. Observed: 1 variant allele.